The following is an entry in ClinVar:

NM_152703.5(SAMD9L):c.3103G>C (p.Val1035Leu)

Gene: SAMD9L (sterile alpha motif domain containing 9 like; minus strand). Cytogenetic location: 7q21.2.
Variant type: single nucleotide variant.
Coding change: c.3103G>C on transcript NM_152703.5 (MANE Select); coding-DNA position 3103, G replaced by C.
Protein change: p.Val1035Leu; replaces valine 1035 with leucine.
Molecular consequence: missense variant.
Genome position (GRCh38, 1-based): chr7:93,132,869, C>G on the plus strand (G>C on the coding strand, the complement: SAMD9L is on the minus strand). VCF-style: chr7-93132869-C-G. GRCh37 (hg19) VCF-style: chr7-92762182-C-G.
Other names: c.3103G>C, p.Val1035Leu (NM_001303496.3, NM_001303497.3, NM_001303498.3 and 5 more transcripts); c.3103G>C (NM_152703.2); short protein forms V1035L.
Identifiers: ClinVar variation 3602703 (VCV003602703.4).

ClinVar aggregate classification (germline): Uncertain significance. Review status: criteria provided, multiple submitters, no conflicts (2 of 4 stars). 3 submissions from 3 submitters: Uncertain significance (3). Last evaluated 2025-03-11.

Conditions:
Inborn genetic diseases. Identifiers: MedGen C0950123, MeSH D030342.
Ataxia-pancytopenia syndrome (ATXPC). Also called: SAMD9L Ataxia-Pancytopenia Syndrome; SAMD9L-Related Syndrome. Identifiers: Orphanet 2585, MedGen C1327919, MONDO:0008038, OMIM 159550.

Submissions (3):

Ambry Genetics
Classification: Uncertain significance for Inborn genetic diseases. Last evaluated: 2025-03-11. Review status: criteria provided, single submitter. Criteria: Ambry Variant Classification Scheme 2023. Collection method: clinical testing. Allele origin: germline.
Comment: The p.V1035L variant (also known as c.3103G>C), located in coding exon 1 of the SAMD9L gene, results from a G to C substitution at nucleotide position 3103. The valine at codon 1035 is replaced by leucine, an amino acid with highly similar properties. This amino acid position is conserved. In addition, this alteration is predicted to be tolerated by in silico analysis. Based on the available evidence, the clinical significance of this variant remains unclear.

St. Jude Molecular Pathology, St. Jude Children's Research Hospital
Classification: Uncertain significance for Ataxia-pancytopenia syndrome. Last evaluated: 2024-08-20. Review status: criteria provided, single submitter. Criteria: St. Jude Assertion Criteria 2020. Collection method: clinical testing. Allele origin: germline.
Comment: The SAMD9L c.3103G>C (p.Val1035Leu) missense change has a maximum subpopulation frequency of 0.0018% in gnomAD v2.1.1. The in silico tool REVEL predicts a benign effect of this variant on protein function, and to our knowledge functional studies have not been performed. In silico predictions have not been found to correlate with syndromic risk and are not considered supporting evidence of a pathogenic or benign effect (PMID: 34621053). To our knowledge, this variant has not been reported in individuals with ataxia-pancytopenia syndrome or monosomy 7 myelodysplasia and leukemia syndrome. In summary, the evidence currently available is insufficient to determine the clinical significance of this variant. It has therefore been classified as of uncertain significance.

Labcorp Genetics (formerly Invitae), Labcorp
Classification: Uncertain significance. Last evaluated: 2024-05-12. Review status: criteria provided, single submitter. Criteria: Invitae Variant Classification Sherloc (09022015). Collection method: clinical testing. Allele origin: germline.
Comment: This sequence change replaces valine, which is neutral and non-polar, with leucine, which is neutral and non-polar, at codon 1035 of the SAMD9L protein (p.Val1035Leu). This variant is present in population databases (rs779499705, gnomAD 0.002%). This variant has not been reported in the literature in individuals affected with SAMD9L-related conditions. Advanced modeling of protein sequence and biophysical properties (such as structural, functional, and spatial information, amino acid conservation, physicochemical variation, residue mobility, and thermodynamic stability) performed at Invitae indicates that this missense variant is not expected to disrupt SAMD9L protein function with a negative predictive value of 80%. In summary, the available evidence is currently insufficient to determine the role of this variant in disease. Therefore, it has been classified as a Variant of Uncertain Significance.